The following is an entry in ClinVar:

ClinVar aggregate classification (germline): Uncertain significance (1 of 4 stars; one submission).

Conditions:
LAMA2-related muscular dystrophy (LAMA2-RD). Also called: Laminin alpha 2-related dystrophy. Identifiers: MedGen C5679788, MONDO:0100228.

Submission:

Labcorp Genetics (formerly Invitae), Labcorp
Classification: Uncertain significance for LAMA2-related muscular dystrophy. Last evaluated: 2022-11-08. Review status: criteria provided, single submitter. Criteria: Invitae Variant Classification Sherloc (09022015). Collection method: clinical testing. Allele origin: germline.
Comment: Advanced modeling of protein sequence and biophysical properties (such as structural, functional, and spatial information, amino acid conservation, physicochemical variation, residue mobility, and thermodynamic stability) performed at Invitae indicates that this missense variant is not expected to disrupt LAMA2 protein function. In summary, the available evidence is currently insufficient to determine the role of this variant in disease. Therefore, it has been classified as a Variant of Uncertain Significance. This variant has not been reported in the literature in individuals affected with LAMA2-related conditions. This variant is not present in population databases (gnomAD no frequency). This sequence change replaces valine, which is neutral and non-polar, with alanine, which is neutral and non-polar, at codon 2351 of the LAMA2 protein (p.Val2351Ala).

NM_000426.4(LAMA2):c.7052T>C (p.Val2351Ala)

Gene: LAMA2 (laminin subunit alpha 2; plus strand). Cytogenetic location: 6q22.33.
Variant type: single nucleotide variant.
Coding change: c.7052T>C on transcript NM_000426.4 (MANE Select); coding-DNA position 7052, T replaced by C.
Protein change: p.Val2351Ala; replaces valine 2351 with alanine.
Molecular consequence: missense variant.
Genome position (GRCh38, 1-based): chr6:129,464,349, T>C. VCF-style: chr6-129464349-T-C. GRCh37 (hg19) VCF-style: chr6-129785494-T-C.
Other names: c.7052T>C, p.Val2351Ala (NM_001079823.2); short protein forms V2351A.
Identifiers: ClinVar variation 2169623 (VCV002169623.4), dbSNP rs2533441427, ClinGen allele CA365620288.